The following is an entry in ClinVar:

ClinVar aggregate classification (germline): Pathogenic (1 of 4 stars; one submission).

Submission:

Labcorp Genetics (formerly Invitae), Labcorp
Classification: Pathogenic. Last evaluated: 2021-11-23. Review status: criteria provided, single submitter. Criteria: Invitae Variant Classification Sherloc (09022015). Collection method: clinical testing. Allele origin: germline.
Comment: For these reasons, this variant has been classified as Pathogenic. This variant has not been reported in the literature in individuals affected with EYS-related conditions. This variant is a gross deletion of the genomic region encompassing exon(s) 13-29 of the EYS gene. This deletion is out-of-frame, and is expected to create a premature termination codon and result in an absent or disrupted protein product. Loss-of-function variants in EYS are known to be pathogenic (PMID: 18836446, 20333770).

Literature cited by the submitters: PubMed 18836446; PubMed 20333770.

NC_000006.11:g.(?_65098563)_(65767640_?)del

Gene: EYS (eyes shut homolog; minus strand). Cytogenetic location: 6q12.
Variant type: Deletion.
Identifiers: ClinVar variation 1455342 (VCV001455342.4).